The following is an entry in ClinVar:

NM_001242896.3(DEPDC5):c.4290del (p.Tyr1431fs)

Gene: DEPDC5 (DEP domain containing 5, GATOR1 subcomplex subunit; plus strand). Cytogenetic location: 22q12.3.
Variant type: Deletion.
Coding change: c.4290del on transcript NM_001242896.3 (MANE Select); coding-DNA position 4290, one base deleted (G; older notation c.4290delG).
Protein change: p.Tyr1431fs; shifts the reading frame from tyrosine 1431.
Molecular consequence: frameshift variant. On other transcripts: non-coding transcript variant (5).
Genome position (GRCh38, 1-based): chr22:31,897,568, G deleted. VCF-style (leftmost placement, unchanged base first): chr22-31897567-TG-T. GRCh37 (hg19) VCF-style: chr22-32293553-TG-T.
Other names: c.4263del, p.Tyr1422fs (NM_001136029.4); c.3990del, p.Tyr1331fs (NM_001242897.2); c.4224del, p.Tyr1409fs (NM_001363852.2, NM_001364320.2); c.4056del, p.Tyr1353fs (NM_001363854.2, NM_001364319.2); c.4290del, p.Tyr1431fs (NM_001364318.2); c.4206del, p.Tyr1403fs (NM_001369901.1, NM_001369902.1); c.4197del, p.Tyr1400fs (NM_001369903.1, NM_014662.6); short protein forms Y1331fs, Y1353fs, Y1400fs, Y1403fs, Y1409fs, Y1422fs, Y1431fs.
Identifiers: ClinVar variation 1070245 (VCV001070245.7), dbSNP rs2149397518, ClinGen allele CA2499226153.

ClinVar aggregate classification (germline): Pathogenic (1 of 4 stars; one submission).

Conditions:
Familial focal epilepsy with variable foci (FPEVF). Identifiers: Orphanet 98820, MedGen C1858477, MONDO:0020310.

Submission:

Labcorp Genetics (formerly Invitae), Labcorp
Classification: Pathogenic for Familial focal epilepsy with variable foci. Last evaluated: 2020-04-14. Review status: criteria provided, single submitter. Criteria: Invitae Variant Classification Sherloc (09022015). Collection method: clinical testing. Allele origin: germline.
Comment: For these reasons, this variant has been classified as Pathogenic. This sequence change creates a premature translational stop signal (p.Tyr1431Metfs*143) in the DEPDC5 gene. It is expected to result in an absent or disrupted protein product. This variant is not present in population databases (ExAC no frequency). This variant has not been reported in the literature in individuals with DEPDC5-related conditions. Loss-of-function variants in DEPDC5 are known to be pathogenic (PMID: 23542697, 23542701).

Literature cited by the submitters: PubMed 23542697; PubMed 23542701.